The following is an entry in ClinVar:

NM_001145026.2(PTPRQ):c.286G>A (p.Val96Ile)

Gene: PTPRQ (protein tyrosine phosphatase receptor type Q; plus strand). Cytogenetic location: 12q21.31.
Variant type: single nucleotide variant.
Coding change: c.286G>A on transcript NM_001145026.2 (MANE Select); coding-DNA position 286, G replaced by A.
Protein change: p.Val96Ile; replaces valine 96 with isoleucine.
Molecular consequence: missense variant.
Genome position (GRCh38, 1-based): chr12:80,445,613, G>A. VCF-style: chr12-80445613-G-A. GRCh37 (hg19) VCF-style: chr12-80839393-G-A.
Other names: short protein forms V96I.
Identifiers: ClinVar variation 682147 (VCV000682147.5), dbSNP rs148527546, ClinGen allele CA6702308.

ClinVar aggregate classification (germline): Benign. Review status: criteria provided, single submitter (1 of 4 stars). 2 submissions from 2 submitters: Benign (1). 1 of the submissions does not count toward it. Last evaluated 2019-07-25.

Conditions:
PTPRQ-related disorder. Also called: PTPRQ-related condition.

Allele frequency attached by ClinVar (database versions not stated): ExAC 0.00167; gnomAD 0.00292 and 0.00321; TOPMed 0.00314; 1000 Genomes Project 0.00399; 1000 Genomes Project 30x 0.00406; ESP Exome Variant Server 0.00504.
gnomAD v4.1: 767 of 1,549,990 alleles (0.049%); highest among the groups gnomAD compares: African/African-American, 0.96%; 2 homozygotes.

Submissions (2):

GeneDx
Classification: Benign. Last evaluated: 2019-07-25. Review status: criteria provided, single submitter. Criteria: GeneDx Variant Classification Process June 2021. Collection method: clinical testing. Allele origin: germline. Affected: yes.

PreventionGenetics, part of Exact Sciences
Classification: Benign for PTPRQ-related condition. Last evaluated: 2023-12-07. Review status: no assertion criteria provided. Collection method: clinical testing. Allele origin: germline. Not counted in ClinVar's aggregate classification.
Comment: This variant is classified as benign based on ACMG/AMP sequence variant interpretation guidelines (Richards et al. 2015 PMID: 25741868, with internal and published modifications).